The following is an entry in ClinVar:

ClinVar aggregate classification (germline): Uncertain significance (1 of 4 stars; one submission).

Conditions:
Nephrolithiasis/nephrocalcinosis. Identifiers: MedGen CN580796.

Submission:

Ambry Genetics
Classification: Uncertain significance for Nephrolithiasis/nephrocalcinosis. Last evaluated: 2022-06-21. Review status: criteria provided, single submitter. Criteria: Ambry Variant Classification Scheme 2023. Collection method: clinical testing. Allele origin: germline.
Comment: The p.P1047L variant (also known as c.3140C>T), located in coding exon 6 of the CASR gene, results from a C to T substitution at nucleotide position 3140. The proline at codon 1047 is replaced by leucine, an amino acid with similar properties. This amino acid position is conserved. In addition, the in silico prediction for this alteration is inconclusive. Since supporting evidence is limited at this time, the clinical significance of this alteration remains unclear.

NM_000388.4(CASR):c.3140C>T (p.Pro1047Leu)

Gene: CASR (calcium sensing receptor; plus strand). Cytogenetic location: 3q21.1.
Variant type: single nucleotide variant.
Coding change: c.3140C>T on transcript NM_000388.4 (MANE Select); coding-DNA position 3140, C replaced by T.
Protein change: p.Pro1047Leu; replaces proline 1047 with leucine.
Molecular consequence: missense variant.
Genome position (GRCh38, 1-based): chr3:122,285,094, C>T. VCF-style: chr3-122285094-C-T. GRCh37 (hg19) VCF-style: chr3-122003941-C-T.
Other names: c.3170C>T, p.Pro1057Leu (NM_001178065.2); short protein forms P1047L, P1057L.
Identifiers: ClinVar variation 1728087 (VCV001728087.2), dbSNP rs2473283969, ClinGen allele CA354161562.